The following is an entry in ClinVar:

NM_000552.5(VWF):c.7489T>C (p.Ser2497Pro)

Gene: VWF (von Willebrand factor; minus strand). Cytogenetic location: 12p13.31.
Variant type: single nucleotide variant.
Coding change: c.7489T>C on transcript NM_000552.5 (MANE Select); coding-DNA position 7489, T replaced by C.
Protein change: p.Ser2497Pro; replaces serine 2497 with proline.
Molecular consequence: missense variant.
Genome position (GRCh38, 1-based): chr12:5,971,658, A>G on the plus strand (T>C on the coding strand, the complement: VWF is on the minus strand). VCF-style: chr12-5971658-A-G. GRCh37 (hg19) VCF-style: chr12-6080824-A-G.
Other names: c.7489T>C (NM_000552.3); short protein forms S2497P.
Identifiers: ClinVar variation 100475 (VCV000100475.2), dbSNP rs61751292, ClinGen allele CA228800.

ClinVar aggregate classification (germline): Uncertain significance. Review status: criteria provided, single submitter (1 of 4 stars). 2 submissions from 2 submitters: Uncertain significance (1). 1 of the submissions does not count toward it. Last evaluated 2024-08-05.

Allele frequency attached by ClinVar (database versions not stated): gnomAD exomes below 0.00001 and 0.00001; ExAC 0.00001; gnomAD 0.00001; TOPMed 0.00001.
gnomAD v4.1: 18 of 1,614,104 alleles (0.0011%); highest among the groups gnomAD compares: Non-Finnish European, 0.0014%; no homozygotes.

Submissions (2):

GeneDx
Classification: Uncertain significance. Last evaluated: 2024-08-05. Review status: criteria provided, single submitter. Criteria: GeneDx Variant Classification Process June 2021. Collection method: clinical testing. Allele origin: germline. Affected: yes.
Comment: In silico analysis indicates that this missense variant does not alter protein structure/function; This variant is associated with the following publications: (PMID: 17190853, 37647632)

Academic Unit of Haematology, University of Sheffield
No classification provided. Review status: no classification provided. Collection method: not provided. Allele origin: not provided. Not counted in ClinVar's aggregate classification.